The following is an entry in ClinVar:

NM_022051.3(EGLN1):c.1262T>A (p.Val421Asp)

Gene: EGLN1 (egl-9 family hypoxia inducible factor 1; minus strand). Cytogenetic location: 1q42.2.
Variant type: single nucleotide variant.
Coding change: c.1262T>A on transcript NM_022051.3 (MANE Select); coding-DNA position 1262, T replaced by A.
Protein change: p.Val421Asp; replaces valine 421 with aspartic acid.
Molecular consequence: missense variant. On other transcripts: 3 prime UTR variant (2).
Genome position (GRCh38, 1-based): chr1:231,366,430, A>T on the plus strand (T>A on the coding strand, the complement: EGLN1 is on the minus strand). VCF-style: chr1-231366430-A-T. GRCh37 (hg19) VCF-style: chr1-231502176-A-T.
Other names: c.*42T>A (NM_001377260.1); c.*87T>A (NM_001377261.1); short protein forms V421D.
Identifiers: ClinVar variation 4663415 (VCV004663415.1).

ClinVar aggregate classification (germline): Uncertain significance (1 of 4 stars; one submission).

Submission:

Ambry Genetics
Classification: Uncertain significance. Last evaluated: 2025-11-15. Review status: criteria provided, single submitter. Criteria: Ambry Variant Classification Scheme 2023. Collection method: clinical testing. Allele origin: germline.
Comment: The p.V421D variant (also known as c.1262T>A), located in coding exon 5 of the EGLN1 gene, results from a T to A substitution at nucleotide position 1262. The valine at codon 421 is replaced by aspartic acid, an amino acid with highly dissimilar properties. This amino acid position is conserved. In addition, this alteration is predicted to be tolerated by in silico analysis. Based on the available evidence, the clinical significance of this variant remains unclear.